The following is an entry in ClinVar:

NM_001754.5(RUNX1):c.1026C>G (p.Ile342Met)

Gene: RUNX1 (RUNX family transcription factor 1; minus strand). Cytogenetic location: 21q22.12.
Variant type: single nucleotide variant.
Coding change: c.1026C>G on transcript NM_001754.5 (MANE Select); coding-DNA position 1026, C replaced by G.
Protein change: p.Ile342Met; replaces isoleucine 342 with methionine.
Molecular consequence: missense variant.
Genome position (GRCh38, 1-based): chr21:34,792,552, G>C on the plus strand (C>G on the coding strand, the complement: RUNX1 is on the minus strand). VCF-style: chr21-34792552-G-C. GRCh37 (hg19) VCF-style: chr21-36164849-G-C.
Other names: NM_001754.5(RUNX1):c.1026C>G; p.Ile342Met; c.945C>G, p.Ile315Met (NM_001001890.3); short protein forms I315M, I342M.
Identifiers: ClinVar variation 1718293 (VCV001718293.7), dbSNP rs2145877755, ClinGen allele CA410148524.

ClinVar aggregate classification (germline): Uncertain significance. Review status: reviewed by expert panel (3 of 4 stars). 3 submissions from 3 submitters: Uncertain significance (1). 2 of the submissions do not count toward it. Last evaluated 2024-09-30.

Conditions:
Hereditary thrombocytopenia and hematological cancer predisposition syndrome associated with RUNX1. Also called: PLATELET DISORDER, ASPIRIN-LIKE; RUNX1 Familial Platelet Disorder with Associated Myeloid Malignancies; Familial Platelet Disorder with Propensity to Acute Myelogenous Leukemia; Familial thrombocytopenia with propensity to acute myelogenous leukemia. Identifiers: Orphanet 71290, MedGen C1832388, MeSH C563324, MONDO:0100083, OMIM 601399.
Inborn genetic diseases. Identifiers: MedGen C0950123, MeSH D030342.
Hereditary thrombocytopenia and hematologic cancer predisposition syndrome. Identifiers: Orphanet 71290, MedGen CN281654, MONDO:0011071.

Submissions (3):

ClinGen Myeloid Malignancy Variant Curation Expert Panel
Classification: Uncertain significance for Hereditary thrombocytopenia and hematologic cancer predisposition syndrome. Last evaluated: 2024-09-30. Review status: reviewed by expert panel. Criteria: ClinGen MyeloMalig ACMG Specifications v2. Collection method: curation. Allele origin: germline. Inheritance: Autosomal dominant inheritance.
Comment: NM_001754.5(RUNX1):c.1026C>G (p.Ile342Met) is a missense variant which has a REVEL score < 0.50 (0.016), and a SpliceAI score ≤ 0.20 (0.0) (BP4). This variant is completely absent from all population databases with at least 20x coverage for RUNX1 (PM2_Supporting). In summary, the clinical significance of this variant is uncertain. ACMG/AMP criteria applied, as specified by the Myeloid Malignancy Variant Curation Expert Panel for RUNX1: BP4, PM2_supporting.

Ambry Genetics
Classification: Uncertain significance for Inborn genetic diseases. Last evaluated: 2024-12-22. Review status: criteria provided, single submitter. Criteria: Ambry Variant Classification Scheme 2023. Collection method: clinical testing. Allele origin: germline. Not counted in ClinVar's aggregate classification.
Comment: The p.I342M variant (also known as c.1026C>G), located in coding exon 8 of the RUNX1 gene, results from a C to G substitution at nucleotide position 1026. The isoleucine at codon 342 is replaced by methionine, an amino acid with highly similar properties. This amino acid position is conserved. In addition, this alteration is predicted to be tolerated by in silico analysis. Based on the available evidence, the clinical significance of this variant remains unclear.

Labcorp Genetics (formerly Invitae), Labcorp
Classification: Uncertain significance for Hereditary thrombocytopenia and hematological cancer predisposition syndrome associated with RUNX1. Last evaluated: 2022-08-29. Review status: criteria provided, single submitter. Criteria: Invitae Variant Classification Sherloc (09022015). Collection method: clinical testing. Allele origin: germline. Not counted in ClinVar's aggregate classification.
Comment: In summary, the available evidence is currently insufficient to determine the role of this variant in disease. Therefore, it has been classified as a Variant of Uncertain Significance. Algorithms developed to predict the effect of missense changes on protein structure and function (SIFT, PolyPhen-2, Align-GVGD) all suggest that this variant is likely to be tolerated. This variant has not been reported in the literature in individuals affected with RUNX1-related conditions. This variant is not present in population databases (gnomAD no frequency). This sequence change replaces isoleucine, which is neutral and non-polar, with methionine, which is neutral and non-polar, at codon 342 of the RUNX1 protein (p.Ile342Met).